The following is an entry in ClinVar:

NM_001165963.4(SCN1A):c.5797C>T (p.Arg1933Ter)

Genes: SCN1A (sodium voltage-gated channel alpha subunit 1; minus strand), LOC102724058 (uncharacterized LOC102724058; plus strand). Cytogenetic location: 2q24.3.
Variant type: single nucleotide variant.
Coding change: c.5797C>T on transcript NM_001165963.4 (MANE Select); coding-DNA position 5797, C replaced by T.
Protein change: p.Arg1933Ter; replaces arginine 1933 with a stop codon.
Molecular consequence: nonsense. On other transcripts: non-coding transcript variant (1).
Genome position (GRCh38, 1-based): chr2:165,991,478, G>A on the plus strand (C>T on the coding strand, the complement: SCN1A is on the minus strand). VCF-style: chr2-165991478-G-A. GRCh37 (hg19) VCF-style: chr2-166847988-G-A.
Other names: c.5713C>T, p.Arg1905Ter (NM_001165964.3, NM_001353957.2, NM_001353958.2); c.5797C>T, p.Arg1933Ter (NM_001202435.3, NM_001353948.2); c.5764C>T, p.Arg1922Ter (NM_001353949.2, NM_001353950.2, NM_001353951.2 and 2 more transcripts); c.5761C>T, p.Arg1921Ter (NM_001353954.2, NM_001353955.2); c.5710C>T, p.Arg1904Ter (NM_001353960.2); c.3355C>T, p.Arg1119Ter (NM_001353961.2); c.5797C>T (NM_001165963.1); short protein forms R1119*, R1904*, R1905*, R1921*, R1922*, R1933*.
Identifiers: ClinVar variation 1003737 (VCV001003737.11), dbSNP rs1351809843, ClinGen allele CA349063799.

ClinVar aggregate classification (germline): Pathogenic/Likely pathogenic. Review status: criteria provided, multiple submitters, no conflicts (2 of 4 stars). 3 submissions from 3 submitters: Pathogenic (1); Likely pathogenic (1). 1 of the submissions does not count toward it. Last evaluated 2025-08-01.

Conditions:
Early-infantile DEE. Also called: Early infantile epileptic encephalopathy; Ohtahara syndrome; Early infantile epileptic encephalopathy with suppression bursts. Identifiers: Orphanet 1934, MedGen C0393706, MONDO:0800491.
Severe myoclonic epilepsy in infancy (DRVT). Also called: SEVERE MYOCLONIC EPILEPSY OF INFANCY; DEVELOPMENTAL AND EPILEPTIC ENCEPHALOPATHY 6A; Severe Myoclonic Epilepsy in Infancy (SMEI); Dravet syndrome; Epileptic encephalopathy, early infantile, 6 (Dravet syndrome). Identifiers: Orphanet 33069, MedGen C0751122, MONDO:0100135, OMIM 607208.

gnomAD v4.1: 4 of 1,613,780 alleles (0.00025%); highest among the groups gnomAD compares: Non-Finnish European, 0.00034%; no homozygotes.

Submissions (3):

GeneDx
Classification: Likely pathogenic. Last evaluated: 2025-08-01. Review status: criteria provided, single submitter. Criteria: GeneDx Variant Classification Process June 2021. Collection method: clinical testing. Allele origin: germline. Affected: yes.
Comment: Previously reported in individuals with epilepsy and developmental delay; however segregation data were not provided (PMID: 38923778, 34469436); Nonsense variant predicted to result in protein truncation, as the last 77 amino acids are lost, and other loss-of-function variants have been reported downstream in HGMD; Not observed at significant frequency in large population cohorts (gnomAD); This variant is associated with the following publications: (PMID: 34469436, 38923778)

Labcorp Genetics (formerly Invitae), Labcorp
Classification: Pathogenic for Early-infantile DEE. Last evaluated: 2025-01-27. Review status: criteria provided, single submitter. Criteria: Invitae Variant Classification Sherloc (09022015). Collection method: clinical testing. Allele origin: germline.
Comment: This sequence change creates a premature translational stop signal (p.Arg1933*) in the SCN1A gene. While this is not anticipated to result in nonsense mediated decay, it is expected to disrupt the last 77 amino acid(s) of the SCN1A protein. This variant is not present in population databases (gnomAD no frequency). This premature translational stop signal has been observed in individual(s) with clinical features of SCN1A-related conditions (PMID: 34469436; internal data). ClinVar contains an entry for this variant (Variation ID: 1003737). This variant disrupts a region of the SCN1A protein in which other variant(s) (p.Arg1988Trp) have been determined to be pathogenic (PMID: 23708187). This suggests that this is a clinically significant region of the protein, and that variants that disrupt it are likely to be disease-causing. For these reasons, this variant has been classified as Pathogenic.

Genomic Medicine Center of Excellence, King Faisal Specialist Hospital and Research Centre
Classification: Uncertain significance for Severe myoclonic epilepsy in infancy. Last evaluated: 2025-09-10. Review status: flagged submission. Criteria: ACMG Guidelines, 2015. Collection method: clinical testing. Allele origin: germline. Not counted in ClinVar's aggregate classification.
ClinVar note: Reason: Claim with insufficient supporting evidence

Literature cited by the submitters: PubMed 34469436 (cited by Labcorp Genetics (formerly Invitae), Labcorp); PubMed 23708187 (cited by Labcorp Genetics (formerly Invitae), Labcorp).